The following is an entry in ClinVar:

ClinVar aggregate classification (germline): Uncertain significance. Review status: criteria provided, multiple submitters, no conflicts (2 of 4 stars). 2 submissions from 2 submitters: Uncertain significance (2). Last evaluated 2025-08-06.

Conditions:
Epidermolysis bullosa simplex, Ogna type (EBS5A). Also called: Pidermolysis bullosa simplex 5A, Ogna type; EPIDERMOLYSIS BULLOSA SIMPLEX 5A, OGNA TYPE. Identifiers: Orphanet 79401, MedGen C0432317, MONDO:0007555, OMIM 131950.
Autosomal recessive limb-girdle muscular dystrophy type 2Q (LGMDR17). Also called: MUSCULAR DYSTROPHY, LIMB-GIRDLE, AUTOSOMAL RECESSIVE 17. Identifiers: Orphanet 254361, MedGen C3150989, MONDO:0013390, OMIM 613723.
Epidermolysis bullosa simplex 5B, with muscular dystrophy (EBS5B). Also called: Epidermolysis bullosa simplex with muscular dystrophy; EPIDERMOLYSIS BULLOSA SIMPLEX AND LIMB-GIRDLE MUSCULAR DYSTROPHY. Identifiers: Orphanet 257, MedGen C2931072, MONDO:0009181, OMIM 226670.
Epidermolysis bullosa simplex 5C, with pyloric atresia (EBS5C). Also called: PLEC-Related Epidermolysis Bullosa with Pyloric Atresia; PLEC1-Related Epidermolysis Bullosa with Pyloric Atresia; Epidermolysis bullosa simplex with pyloric atresia. Identifiers: Orphanet 158684, MedGen C2677349, MONDO:0012807, OMIM 612138.
Epidermolysis bullosa simplex with nail dystrophy (EBS5D). Identifiers: MedGen C4225309, MONDO:0014661, OMIM 616487.

Allele frequency attached by ClinVar (database versions not stated): ExAC 0.00002; gnomAD 0.00002; TOPMed 0.00002; gnomAD exomes 0.00003.
gnomAD v4.1: 36 of 1,612,804 alleles (0.0022%); highest among the groups gnomAD compares: Middle Eastern, 0.016%; no homozygotes.

Submissions (2):

Labcorp Genetics (formerly Invitae), Labcorp
Classification: Uncertain significance for Autosomal recessive limb-girdle muscular dystrophy type 2Q; Epidermolysis bullosa simplex, Ogna type; Epidermolysis bullosa simplex with nail dystrophy; Epidermolysis bullosa simplex 5C, with pyloric atresia; Epidermolysis bullosa simplex 5B, with muscular dystrophy. Last evaluated: 2025-08-06. Review status: criteria provided, single submitter. Criteria: Invitae Variant Classification Sherloc (09022015). Collection method: clinical testing. Allele origin: germline.
Comment: This sequence change replaces serine, which is neutral and polar, with asparagine, which is neutral and polar, at codon 684 of the PLEC protein (p.Ser684Asn). This variant is present in population databases (rs782591543, gnomAD 0.006%). This variant has not been reported in the literature in individuals affected with PLEC-related conditions. ClinVar contains an entry for this variant (Variation ID: 663281). Invitae Evidence Modeling of protein sequence and biophysical properties (such as structural, functional, and spatial information, amino acid conservation, physicochemical variation, residue mobility, and thermodynamic stability) indicates that this missense variant is not expected to disrupt PLEC protein function with a negative predictive value of 80%. In summary, the available evidence is currently insufficient to determine the role of this variant in disease. Therefore, it has been classified as a Variant of Uncertain Significance.

Revvity Omics, Revvity
Classification: Uncertain significance. Last evaluated: 2024-11-15. Review status: criteria provided, single submitter. Criteria: ACMG Guidelines, 2015. Collection method: clinical testing. Allele origin: germline.

NM_201384.3(PLEC):c.1970G>A (p.Ser657Asn)

Gene: PLEC (plectin; minus strand). Cytogenetic location: 8q24.3.
Variant type: single nucleotide variant.
Coding change: c.1970G>A on transcript NM_201384.3 (MANE Select); coding-DNA position 1970, G replaced by A.
Protein change: p.Ser657Asn; replaces serine 657 with asparagine.
Molecular consequence: missense variant.
Genome position (GRCh38, 1-based): chr8:143,932,407, C>T on the plus strand (G>A on the coding strand, the complement: PLEC is on the minus strand). VCF-style: chr8-143932407-C-T. GRCh37 (hg19) VCF-style: chr8-145006575-C-T.
Other names: c.2051G>A, p.Ser684Asn (NM_000445.5); c.1928G>A, p.Ser643Asn (NM_201378.4); c.1904G>A, p.Ser635Asn (NM_201379.3); c.2381G>A, p.Ser794Asn (NM_201380.4); c.1874G>A, p.Ser625Asn (NM_201381.3); c.1970G>A, p.Ser657Asn (NM_201382.4); c.1982G>A, p.Ser661Asn (NM_201383.3); short protein forms S635N, S657N, S661N, S643N, S684N, S625N, S794N.
Identifiers: ClinVar variation 663281 (VCV000663281.10), dbSNP rs782591543, ClinGen allele CA4927771.